The following is an entry in ClinVar:

ClinVar aggregate classification (germline): Uncertain significance (1 of 4 stars; one submission).

Conditions:
Inflammatory skin and bowel disease, neonatal, 1. Identifiers: Orphanet 294023, MedGen C3280501, MONDO:0013693, OMIM 614328.

Allele frequency attached by ClinVar (database versions not stated): gnomAD 0.00001; gnomAD exomes 0.00001; TOPMed 0.00001; ExAC 0.00002.
gnomAD v4.1: 18 of 1,590,446 alleles (0.0011%); highest among the groups gnomAD compares: Non-Finnish European, 0.0015%; no homozygotes.

Submission:

Labcorp Genetics (formerly Invitae), Labcorp
Classification: Uncertain significance for Inflammatory skin and bowel disease, neonatal, 1. Last evaluated: 2022-03-19. Review status: criteria provided, single submitter. Criteria: Invitae Variant Classification Sherloc (09022015). Collection method: clinical testing. Allele origin: germline.
Comment: In summary, the available evidence is currently insufficient to determine the role of this variant in disease. Therefore, it has been classified as a Variant of Uncertain Significance. Algorithms developed to predict the effect of missense changes on protein structure and function output the following: SIFT: "Not Available"; PolyPhen-2: "Possibly Damaging"; Align-GVGD: "Not Available". The tyrosine amino acid residue is found in multiple mammalian species, which suggests that this missense change does not adversely affect protein function. ClinVar contains an entry for this variant (Variation ID: 1007110). This variant has not been reported in the literature in individuals affected with ADAM17-related conditions. This variant is present in population databases (rs771131237, gnomAD 0.007%). This sequence change replaces serine, which is neutral and polar, with tyrosine, which is neutral and polar, at codon 37 of the ADAM17 protein (p.Ser37Tyr).

NM_003183.6(ADAM17):c.110C>A (p.Ser37Tyr)

Gene: ADAM17 (ADAM metallopeptidase domain 17; minus strand). Cytogenetic location: 2p25.1.
Variant type: single nucleotide variant.
Coding change: c.110C>A on transcript NM_003183.6 (MANE Select); coding-DNA position 110, C replaced by A.
Protein change: p.Ser37Tyr; replaces serine 37 with tyrosine.
Molecular consequence: missense variant. On other transcripts: 5 prime UTR variant (2).
Genome position (GRCh38, 1-based): chr2:9,543,273, G>T on the plus strand (C>A on the coding strand, the complement: ADAM17 is on the minus strand). VCF-style: chr2-9543273-G-T. GRCh37 (hg19) VCF-style: chr2-9683402-G-T.
Other names: c.-571C>A (NM_001382777.1); c.-813C>A (NM_001382778.1); short protein forms S37Y.
Identifiers: ClinVar variation 1007110 (VCV001007110.6), dbSNP rs771131237, ClinGen allele CA1523861.